The following is an entry in ClinVar:

NM_001036.6(RYR3):c.14291T>G (p.Ile4764Ser)

Genes: AVEN (apoptosis and caspase activation inhibitor; minus strand), RYR3 (ryanodine receptor 3; plus strand). Cytogenetic location: 15q14.
Variant type: single nucleotide variant.
Coding change: c.14291T>G on transcript NM_001036.6 (MANE Select); coding-DNA position 14291, T replaced by G.
Protein change: p.Ile4764Ser; replaces isoleucine 4764 with serine.
Molecular consequence: missense variant.
Genome position (GRCh38, 1-based): chr15:33,859,723, T>G. VCF-style: chr15-33859723-T-G. GRCh37 (hg19) VCF-style: chr15-34151924-T-G.
Other names: c.14276T>G, p.Ile4759Ser (NM_001243996.4); short protein forms I4759S, I4764S.
Identifiers: ClinVar variation 963106 (VCV000963106.9), dbSNP rs2080127373, ClinGen allele CA391592954.

ClinVar aggregate classification (germline): Uncertain significance (1 of 4 stars; one submission).

Conditions:
Epileptic encephalopathy. Identifiers: MedGen C0543888, HP:0200134.

Submission:

Labcorp Genetics (formerly Invitae), Labcorp
Classification: Uncertain significance for Epileptic encephalopathy. Last evaluated: 2019-09-02. Review status: criteria provided, single submitter. Criteria: Invitae Variant Classification Sherloc (09022015). Collection method: clinical testing. Allele origin: germline.
Comment: In summary, the available evidence is currently insufficient to determine the role of this variant in disease. Therefore, it has been classified as a Variant of Uncertain Significance. Algorithms developed to predict the effect of sequence changes on RNA splicing suggest that this variant may create or strengthen a splice site, but this prediction has not been confirmed by published transcriptional studies. Algorithms developed to predict the effect of missense changes on protein structure and function are either unavailable or do not agree on the potential impact of this missense change (SIFT: "Deleterious"; PolyPhen-2: "Possibly Damaging"; Align-GVGD: "Class C0"). This variant has not been reported in the literature in individuals with RYR3-related conditions. This variant is not present in population databases (ExAC no frequency). This sequence change replaces isoleucine with serine at codon 4764 of the RYR3 protein (p.Ile4764Ser). The isoleucine residue is highly conserved and there is a large physicochemical difference between isoleucine and serine.